The following is an entry in ClinVar:

ClinVar aggregate classification (germline): Pathogenic. Review status: criteria provided, multiple submitters, no conflicts (2 of 4 stars). 2 submissions from 2 submitters: Pathogenic (2). Last evaluated 2020-09-02.

Conditions:
Tatton-Brown-Rahman overgrowth syndrome. Also called: Tall stature-intellectual disability-facial dysmorphism syndrome; Tatton-Brown-Rahman syndrome. Identifiers: Orphanet 404443, MedGen C4014545, MONDO:0014382, OMIM 615879.

Allele frequency attached by ClinVar (database versions not stated): ExAC 0.00001; gnomAD 0.00001.
gnomAD v4.1: 3 of 1,613,262 alleles (0.00019%); highest among the groups gnomAD compares: Non-Finnish European, 0.00025%; no homozygotes.

Submissions (2):

MVZ Martinsried, Medicover Genetics
Classification: Pathogenic for Tatton-Brown-Rahman overgrowth syndrome. Last evaluated: 2020-09-02. Review status: criteria provided, single submitter. Criteria: ACGS Guidelines, 2020. Collection method: clinical testing. Allele origin: de novo. Affected: yes.

GeneDx
Classification: Pathogenic. Last evaluated: 2019-10-01. Review status: criteria provided, single submitter. Criteria: GeneDx Variant Classification Process June 2021. Collection method: clinical testing. Allele origin: germline. Affected: yes.
Comment: Canonical splice site variant in a gene for which loss-of-function is a known mechanism of disease; Not observed in large population cohorts (Lek et al., 2016); Has not been previously published as pathogenic or benign to our knowledge

NM_022552.5(DNMT3A):c.1937-2A>G

Gene: DNMT3A (DNA methyltransferase 3 alpha; minus strand). Cytogenetic location: 2p23.3.
Variant type: single nucleotide variant.
Coding change: c.1937-2A>G on transcript NM_022552.5 (MANE Select); the canonical splice acceptor site of the intron before coding-DNA position 1937, A replaced by G.
Molecular consequence: splice acceptor variant.
Genome position (GRCh38, 1-based): chr2:25,241,709, T>C on the plus strand (A>G on the coding strand, the complement: DNMT3A is on the minus strand). VCF-style: chr2-25241709-T-C. GRCh37 (hg19) VCF-style: chr2-25464578-T-C.
Other names: c.1937-2A>G (NM_175629.2); c.1370-2A>G (NM_153759.3); c.1481-2A>G (NM_001320893.1); c.1268-2A>G (NM_001375819.1).
Identifiers: ClinVar variation 979198 (VCV000979198.3), dbSNP rs770305758, ClinGen allele CA1555814.